The following is an entry in ClinVar:

NM_004612.4(TGFBR1):c.820A>G (p.Thr274Ala)

Gene: TGFBR1 (transforming growth factor beta receptor 1; plus strand). Cytogenetic location: 9q22.33.
Variant type: single nucleotide variant.
Coding change: c.820A>G on transcript NM_004612.4 (MANE Select); coding-DNA position 820, A replaced by G.
Protein change: p.Thr274Ala; replaces threonine 274 with alanine.
Molecular consequence: missense variant.
Genome position (GRCh38, 1-based): chr9:99,142,550, A>G. VCF-style: chr9-99142550-A-G. GRCh37 (hg19) VCF-style: chr9-101904832-A-G.
Other names: p.T274A:ACT>GCT; c.589A>G, p.Thr197Ala (NM_001130916.3); c.832A>G, p.Thr278Ala (NM_001306210.2); short protein forms T274A, T197A, T278A.
Identifiers: ClinVar variation 213879 (VCV000213879.4), dbSNP rs863223816, ClinGen allele CA323920.

ClinVar aggregate classification (germline): Conflicting classifications of pathogenicity. Review status: criteria provided, conflicting classifications (1 of 4 stars). 3 submissions from 3 submitters: Likely pathogenic (2); Uncertain significance (1). Last evaluated 2026-02-27.

Conditions:
TGFBR1-related disorder. Also called: TGFBR1-related condition.
Familial thoracic aortic aneurysm and aortic dissection (TAAD). Also called: Thoracic aortic aneurysms and dissections. Identifiers: Orphanet 91387, MedGen C4707243, MONDO:0019625.

Submissions (3):

Ambry Genetics
Classification: Uncertain significance for Familial thoracic aortic aneurysm and aortic dissection. Last evaluated: 2026-02-27. Review status: criteria provided, single submitter. Criteria: Ambry Variant Classification Scheme 2023. Collection method: clinical testing. Allele origin: germline.
Comment: The p.T274A variant (also known as c.820A>G), located in coding exon 5 of the TGFBR1 gene, results from an A to G substitution at nucleotide position 820. The threonine at codon 274 is replaced by alanine, an amino acid with similar properties. This variant was reported in individual(s) with features consistent with Loeys-Dietz syndrome (Khodabakhshian N et al. CJC Pediatr Congenit Heart Dis, 2024 Apr;3:47-54; external communication). This amino acid position is highly conserved in available vertebrate species. In addition, this alteration is predicted to be deleterious by in silico analysis. Based on the available evidence, the clinical significance of this variant remains unclear.

Blueprint Genetics
Classification: Likely pathogenic for TGFBR1-related disorders. Last evaluated: 2020-11-02. Review status: criteria provided, single submitter. Criteria: ACMG Guidelines, 2015. Collection method: clinical testing. Allele origin: germline. Affected: yes. Observed: 1 variant allele.

GeneDx
Classification: Likely pathogenic. Last evaluated: 2014-09-05. Review status: criteria provided, single submitter. Criteria: GeneDx Variant Classification (06012015). Collection method: clinical testing. Allele origin: germline. Affected: yes.
Comment: p.Thr274Ala (ACT>GCT): c.820 A>G in exon 5 of the TGFBR1 gene (NM_004612.2) A T274A variant that is likely pathogenic was identified in the TGFBR1 gene. It has not been published as a mutation, nor has it been reported as a benign polymorphism to our knowledge. The T274A variant was not observed in approximately 6,500 individuals of European and African American ancestry in the NHLBI Exome Sequencing Project, indicating it is not a common benign variant in these populations. TheT274A variant is a non-conservative amino acid substitution, which is likely to impact secondary protein structure as these residues differ in polarity, charge, size and/or other properties. This substitution occurs at a position that is conserved across species. In silico analysis predicts this variant is probably damaging to the protein structure/function. Moreover, missense mutations in nearby residues (D266Y, N267H) have been reported in association with Loeys-Dietz syndrome or Marfan syndrome type II, supporting the functional importance of this region of the protein.Therefore, this variant is a strong candidate for a pathogenic mutation, however the possibility that it is a benign variant cannot be excluded. This variant was found in TAAD

Literature cited by the submitters: PubMed 38774681 (cited by Ambry Genetics).